The following is an entry in ClinVar:

ClinVar aggregate classification (germline): Conflicting classifications of pathogenicity. Review status: criteria provided, conflicting classifications (1 of 4 stars). 2 submissions from 2 submitters: Uncertain significance (1); Benign (1). Last evaluated 2022-07-01.

Conditions:
Neuroblastoma (NB). Identifiers: Orphanet 635, MedGen C0027819, MeSH D009447, MONDO:0005072, HP:0003006.

Allele frequency attached by ClinVar (database versions not stated): 1000 Genomes Project 0.00060; gnomAD 0.00077 and 0.00088; TOPMed 0.00106; 1000 Genomes Project 30x 0.00141; gnomAD exomes 0.00186.
gnomAD v4.1: 244 of 212,066 alleles (0.12%); highest among the groups gnomAD compares: Middle Eastern, 1.9%; 1 homozygote.

Submissions (2):

CeGaT Center for Human Genetics Tuebingen
Classification: Benign. Last evaluated: 2022-07-01. Review status: criteria provided, single submitter. Criteria: CeGaT Center For Human Genetics Tuebingen Variant Classification Criteria Version 2. Collection method: clinical testing. Allele origin: germline. Affected: yes. Observed: 4 variant alleles.
Comment: KIF1B: BS1, BS2

Illumina Laboratory Services, Illumina
Classification: Uncertain significance for Neuroblastoma. Last evaluated: 2018-01-13. Review status: criteria provided, single submitter. Criteria: ICSL Variant Classification Criteria 13 December 2019. Collection method: clinical testing. Allele origin: germline.

NM_001365951.3(KIF1B):c.*3639T>C

Gene: KIF1B (kinesin family member 1B; plus strand). Cytogenetic location: 1p36.22.
Variant type: single nucleotide variant.
Coding change: c.*3639T>C on transcript NM_001365951.3 (MANE Select); 3639 bases downstream of the stop codon, T replaced by C.
Molecular consequence: 3 prime UTR variant.
Genome position (GRCh38, 1-based): chr1:10,380,226, T>C. VCF-style: chr1-10380226-T-C. GRCh37 (hg19) VCF-style: chr1-10440284-T-C.
Other names: c.*3639T>C (NM_001365952.1, NM_015074.3).
Identifiers: ClinVar variation 291645 (VCV000291645.29), dbSNP rs551392566, ClinGen allele CA10607313.